The following is an entry in ClinVar:

NM_021971.4(GMPPB):c.403-8G>A

Gene: GMPPB (GDP-mannose pyrophosphorylase B; minus strand). Cytogenetic location: 3p21.31.
Variant type: single nucleotide variant.
Coding change: c.403-8G>A on transcript NM_021971.4 (MANE Select); 8 bases into the intron before coding-DNA position 403, G replaced by A.
Molecular consequence: intron variant.
Genome position (GRCh38, 1-based): chr3:49,722,762, C>T on the plus strand (G>A on the coding strand, the complement: GMPPB is on the minus strand). VCF-style: chr3-49722762-C-T. GRCh37 (hg19) VCF-style: chr3-49760195-C-T.
Other names: c.403-8G>A (NM_013334.4, NM_013334.3).
Identifiers: ClinVar variation 767532 (VCV000767532.8), dbSNP rs1303123739, ClinGen allele CA543051028.

ClinVar aggregate classification (germline): Likely benign. Review status: criteria provided, multiple submitters, no conflicts (2 of 4 stars). 3 submissions from 3 submitters: Likely benign (2). 1 of the submissions does not count toward it. Last evaluated 2024-08-19.

Conditions:
Muscular dystrophy-dystroglycanopathy (congenital with brain and eye anomalies), type A14. Also called: Congenital muscular dystrophy-dystroglycanopathy with brain and eye anomalies, type A14; WALKER-WARBURG SYNDROME OR MUSCLE-EYE-BRAIN DISEASE, GMPPB-RELATED; Muscular dystrophy-dystroglycanopathy (congenital with brain and eye anomalies), type a, 14; Congenital Muscular Dystrophy-Dystroglycanopathy with Brain and Eye Anomalies Type A 14. Identifiers: Orphanet 588, MedGen C3809216, MONDO:0014140, OMIM 615350.
Muscular dystrophy-dystroglycanopathy (congenital with impaired intellectual development), type B, 14. Also called: Congenital muscular dystrophy-dystroglycanopathy with mental retardation, type B14; Muscular dystrophy-dystroglycanopathy (congenital with intellectual disability), type B14; MUSCULAR DYSTROPHY, CONGENITAL, GMPPB-RELATED. Identifiers: MedGen C3809221, MONDO:0014141, OMIM 615351.
Autosomal recessive limb-girdle muscular dystrophy type 2T. Also called: Limb-girdle muscular dystrophy-dystroglycanopathy, type C14; MUSCULAR DYSTROPHY-DYSTROGLYCANOPATHY, LIMB-GIRDLE, GMPPB-RELATED; MUSCULAR DYSTROPHY, LIMB-GIRDLE, TYPE 2T; Muscular dystrophy-dystroglycanopathy (limb-girdle), type c, 14. Identifiers: Orphanet 363623, MedGen C4518000, MONDO:0014142, OMIM 615352.
GMPPB-related disorder. Also called: GMPPB-related disorders; GMPPB-related condition.

Allele frequency attached by ClinVar (database versions not stated): gnomAD exomes 0.00002 and below 0.00001; gnomAD 0.00001; TOPMed below 0.00001.

Submissions (3):

Labcorp Genetics (formerly Invitae), Labcorp
Classification: Likely benign for Autosomal recessive limb-girdle muscular dystrophy type 2T; Muscular dystrophy-dystroglycanopathy (congenital with brain and eye anomalies), type A14; Muscular dystrophy-dystroglycanopathy (congenital with impaired intellectual development), type B, 14. Last evaluated: 2024-08-19. Review status: criteria provided, single submitter. Criteria: Invitae Variant Classification Sherloc (09022015). Collection method: clinical testing. Allele origin: germline.

Blueprint Genetics
Classification: Likely benign. Last evaluated: 2024-04-11. Review status: criteria provided, single submitter. Criteria: ACMG Guidelines, 2015. Collection method: clinical testing. Allele origin: germline.

PreventionGenetics, part of Exact Sciences
Classification: Likely benign for GMPPB-related condition. Last evaluated: 2023-07-14. Review status: no assertion criteria provided. Collection method: clinical testing. Allele origin: germline. Not counted in ClinVar's aggregate classification.
Comment: This variant is classified as likely benign based on ACMG/AMP sequence variant interpretation guidelines (Richards et al. 2015 PMID: 25741868, with internal and published modifications).